The following is an entry in ClinVar:

NM_002382.5(MAX):c.337A>T (p.Thr113Ser)

Gene: MAX (MYC associated transcriptional regulator X; minus strand). Cytogenetic location: 14q23.3.
Variant type: single nucleotide variant.
Coding change: c.337A>T on transcript NM_002382.5 (MANE Select); coding-DNA position 337, A replaced by T.
Protein change: p.Thr113Ser; replaces threonine 113 with serine.
Molecular consequence: missense variant. On other transcripts: 3 prime UTR variant (1), intron variant (2).
Genome position (GRCh38, 1-based): chr14:65,076,622, T>A on the plus strand (A>T on the coding strand, the complement: MAX is on the minus strand). VCF-style: chr14-65076622-T-A. GRCh37 (hg19) VCF-style: chr14-65543340-T-A.
Other names: c.148A>T, p.Thr50Ser (NM_001320415.2, NM_001407105.1, NM_001407106.1 and 1 more transcripts); c.337A>T, p.Thr113Ser (NM_001407094.1); c.310A>T, p.Thr104Ser (NM_001407095.1, NM_145112.3); c.*110A>T (NM_001407096.1, NM_001407099.1, NM_001407102.1 and 2 more transcripts); c.*126A>T (NM_001407097.1, NM_001407100.1, NM_001407101.1 and 4 more transcripts); c.229A>T, p.Thr77Ser (NM_001407098.1); c.136A>T, p.Thr46Ser (NM_001407111.1, NM_001407112.1); c.144+17086A>T (NM_001271069.2); and 1 more; short protein forms T113S, T104S, T50S, T46S, T77S.
Identifiers: ClinVar variation 404107 (VCV000404107.9), dbSNP rs1060500100, ClinGen allele CA16614130.

ClinVar aggregate classification (germline): Uncertain significance. Review status: criteria provided, multiple submitters, no conflicts (2 of 4 stars). 2 submissions from 2 submitters: Uncertain significance (2). Last evaluated 2023-11-17.

Conditions:
Hereditary pheochromocytoma and paraganglioma. Also called: Hereditary Paraganglioma-Pheochromocytoma Syndromes; Hereditary paragangliomas and pheochromocytomas; Hereditary pheochromocytoma-paraganglioma. Identifiers: Orphanet 29072, MedGen C4274332, MONDO:0017366.
Hereditary cancer-predisposing syndrome. Also called: Tumor predisposition; Hereditary Cancer Syndrome; Neoplastic Syndromes, Hereditary; Hereditary neoplastic syndrome. Identifiers: Orphanet 140162, MedGen C0027672, MeSH D009386, MONDO:0015356.

Allele frequency attached by ClinVar (database versions not stated): gnomAD exomes below 0.00001.
gnomAD v4.1: 2 of 1,614,084 alleles (0.00012%); highest among the groups gnomAD compares: Non-Finnish European, 0.00017%; no homozygotes.

Submissions (2):

Labcorp Genetics (formerly Invitae), Labcorp
Classification: Uncertain significance for Hereditary pheochromocytoma and paraganglioma. Last evaluated: 2023-11-17. Review status: criteria provided, single submitter. Criteria: Invitae Variant Classification Sherloc (09022015). Collection method: clinical testing. Allele origin: germline.
Comment: This sequence change replaces threonine, which is neutral and polar, with serine, which is neutral and polar, at codon 113 of the MAX protein (p.Thr113Ser). This variant is not present in population databases (gnomAD no frequency). This variant has not been reported in the literature in individuals affected with MAX-related conditions. ClinVar contains an entry for this variant (Variation ID: 404107). An algorithm developed to predict the effect of missense changes on protein structure and function (PolyPhen-2) suggests that this variant is likely to be tolerated. In summary, the available evidence is currently insufficient to determine the role of this variant in disease. Therefore, it has been classified as a Variant of Uncertain Significance.

Ambry Genetics
Classification: Uncertain significance for Hereditary cancer-predisposing syndrome. Last evaluated: 2023-08-25. Review status: criteria provided, single submitter. Criteria: Ambry Variant Classification Scheme 2023. Collection method: clinical testing. Allele origin: germline.
Comment: The p.T113S variant (also known as c.337A>T), located in coding exon 5 of the MAX gene, results from an A to T substitution at nucleotide position 337. The threonine at codon 113 is replaced by serine, an amino acid with similar properties. This amino acid position is conserved. In addition, this alteration is predicted to be tolerated by in silico analysis. Since supporting evidence is limited at this time, the clinical significance of this alteration remains unclear.